The following is an entry in ClinVar:

ClinVar aggregate classification (germline): Uncertain significance (1 of 4 stars; one submission).

Allele frequency attached by ClinVar (database versions not stated): ExAC 0.00001; gnomAD 0.00001 and 0.00002; gnomAD exomes 0.00001; TOPMed 0.00004.
gnomAD v4.1: 8 of 1,612,648 alleles (0.0005%); highest among the groups gnomAD compares: Admixed American, 0.0033%; no homozygotes.

Submission:

Laboratory for Molecular Medicine, Mass General Brigham Personalized Medicine
Classification: Uncertain significance. Last evaluated: 2014-05-01. Review status: criteria provided, single submitter. Criteria: LMM Criteria. Collection method: clinical testing. Allele origin: germline. Observed: 1 variant allele.
Comment: The Arg29990Trp variant in TTN has not been previously reported in individuals w ith cardiomyopathy or in large population studies. Computational prediction tool s and conservation analysis suggest that this variant may impact the protein, th ough this information is not predictive enough to determine pathogenicity. In su mmary, the clinical significance of the Arg29990Trp variant is uncertain

NM_001267550.2(TTN):c.97672C>T (p.Arg32558Trp)

Genes: TTN (titin; minus strand), TTN-AS1 (TTN antisense RNA 1; plus strand). Cytogenetic location: 2q31.2.
Variant type: single nucleotide variant.
Coding change: c.97672C>T on transcript NM_001267550.2 (MANE Select); coding-DNA position 97672, C replaced by T.
Protein change: p.Arg32558Trp; replaces arginine 32558 with tryptophan.
Molecular consequence: missense variant.
Genome position (GRCh38, 1-based): chr2:178,541,405, G>A on the plus strand (C>T on the coding strand, the complement: TTN is on the minus strand). VCF-style: chr2-178541405-G-A. GRCh37 (hg19) VCF-style: chr2-179406132-G-A.
Other names: c.89968C>T, p.Arg29990Trp (NM_133378.4); c.92749C>T, p.Arg30917Trp (NM_001256850.1); c.70477C>T, p.Arg23493Trp (NM_003319.4); c.70852C>T, p.Arg23618Trp (NM_133432.3); c.71053C>T, p.Arg23685Trp (NM_133437.4); short protein forms R29990W, R32558W, R23493W, R23618W, R23685W, R30917W.
Identifiers: ClinVar variation 179734 (VCV000179734.5), dbSNP rs727505090, ClinGen allele CA185022.
Genomic context (GRCh38, chr2:178,541,405, plus strand): 5'-TAATGGCTGTGACACGGTGTTCATATTCTAAGCCTTCAGTAAGGCCAGTGGAGCGGTACC[G>A]TGTCATTGTCACAGGTACTTTATTTACACGGACCCATCGATCTGCTCTCACTTCTTTGCG-3'
Protein context (NP_001254479.2, residues 32548-32568): RVNKVPVTMT[Arg32558Trp]YRSTGLTEGL